The following is an entry in ClinVar:

ClinVar aggregate classification (germline): Conflicting classifications of pathogenicity. Review status: criteria provided, conflicting classifications (1 of 4 stars). 3 submissions from 3 submitters: Uncertain significance (2); Likely benign (1). Last evaluated 2025-01-10.

Conditions:
Hereditary cancer-predisposing syndrome. Also called: Tumor predisposition; Neoplastic Syndromes, Hereditary; Hereditary Cancer Syndrome; Hereditary neoplastic syndrome. Identifiers: Orphanet 140162, MedGen C0027672, MeSH D009386, MONDO:0015356.
Familial cancer of breast. Also called: Hereditary breast cancer; BREAST CANCER, FAMILIAL; hereditary breast carcinoma. Identifiers: Orphanet 227535, MedGen C0346153, MONDO:0016419, OMIM 114480. Disease mechanism: loss of function.

Allele frequency attached by ClinVar (database versions not stated): TOPMed 0.00001.

Submissions (3):

Myriad Genetics, Inc.
Classification: Likely benign for Familial cancer of breast. Last evaluated: 2025-01-10. Review status: criteria provided, single submitter. Criteria: Myriad Autosomal Dominant, Autosomal Recessive and X-Linked Classification Criteria (2023). Collection method: clinical testing. Allele origin: unknown.
Comment: This variant is considered likely benign. This variant is intronic and is not expected to impact mRNA splicing.

Ambry Genetics
Classification: Uncertain significance for Hereditary cancer-predisposing syndrome. Last evaluated: 2024-06-03. Review status: criteria provided, single submitter. Criteria: Ambry Variant Classification Scheme 2023. Collection method: clinical testing. Allele origin: germline.
Comment: The c.212-3C>T intronic variant results from a C to T substitution 3 nucleotides upstream from coding exon 4 in the PALB2 gene. This nucleotide position is well conserved in available vertebrate species. In silico splice site analysis predicts that this alteration will not have any significant effect on splicing. Since supporting evidence is limited at this time, the clinical significance of this alteration remains unclear.

Labcorp Genetics (formerly Invitae), Labcorp
Classification: Uncertain significance for Familial cancer of breast. Last evaluated: 2024-04-18. Review status: criteria provided, single submitter. Criteria: Invitae Variant Classification Sherloc (09022015). Collection method: clinical testing. Allele origin: germline.
Comment: This sequence change falls in intron 3 of the PALB2 gene. It does not directly change the encoded amino acid sequence of the PALB2 protein. It affects a nucleotide within the consensus splice site. This variant is not present in population databases (gnomAD no frequency). This variant has not been reported in the literature in individuals affected with PALB2-related conditions. ClinVar contains an entry for this variant (Variation ID: 241540). Variants that disrupt the consensus splice site are a relatively common cause of aberrant splicing (PMID: 17576681, 9536098). Algorithms developed to predict the effect of sequence changes on RNA splicing suggest that this variant is not likely to affect RNA splicing. In summary, the available evidence is currently insufficient to determine the role of this variant in disease. Therefore, it has been classified as a Variant of Uncertain Significance.

Literature cited by the submitters: PubMed 17576681 (cited by Labcorp Genetics (formerly Invitae), Labcorp); PubMed 9536098 (cited by Labcorp Genetics (formerly Invitae), Labcorp).

NM_024675.4(PALB2):c.212-3C>T

Gene: PALB2 (partner and localizer of BRCA2; minus strand). Cytogenetic location: 16p12.2.
Variant type: single nucleotide variant.
Coding change: c.212-3C>T on transcript NM_024675.4 (MANE Select); 3 bases into the intron before coding-DNA position 212, C replaced by T.
Molecular consequence: intron variant.
Genome position (GRCh38, 1-based): chr16:23,636,337, G>A on the plus strand (C>T on the coding strand, the complement: PALB2 is on the minus strand). VCF-style: chr16-23636337-G-A. GRCh37 (hg19) VCF-style: chr16-23647658-G-A.
Identifiers: ClinVar variation 241540 (VCV000241540.15), dbSNP rs878855106, ClinGen allele CA10583385.